The following is an entry in ClinVar:

NM_000256.3(MYBPC3):c.1157A>T (p.Glu386Val)

Gene: MYBPC3 (myosin binding protein C3; minus strand). Cytogenetic location: 11p11.2.
Variant type: single nucleotide variant.
Coding change: c.1157A>T on transcript NM_000256.3 (MANE Select); coding-DNA position 1157, A replaced by T.
Protein change: p.Glu386Val; replaces glutamic acid 386 with valine.
Molecular consequence: missense variant.
Genome position (GRCh38, 1-based): chr11:47,343,558, T>A on the plus strand (A>T on the coding strand, the complement: MYBPC3 is on the minus strand). VCF-style: chr11-47343558-T-A. GRCh37 (hg19) VCF-style: chr11-47365109-T-A.
Other names: short protein forms E386V.
Identifiers: ClinVar variation 3069395 (VCV003069395.1), dbSNP rs2495765603, ClinGen allele CA380328876.

ClinVar aggregate classification (germline): Uncertain significance (1 of 4 stars; one submission).

Conditions:
Hypertrophic cardiomyopathy. Also called: HYPERTROPHIC MYOCARDIOPATHY. Identifiers: Orphanet 217569, MedGen C0007194, MeSH D002312, MONDO:0005045, HP:0001639.

Submission:

All of Us Research Program, National Institutes of Health
Classification: Uncertain significance for Hypertrophic cardiomyopathy. Last evaluated: 2023-02-15. Review status: criteria provided, single submitter. Criteria: ACMG Guidelines, 2015. Collection method: clinical testing. Allele origin: germline. Inheritance: Autosomal dominant inheritance. Observed: 1 variant allele, 1 heterozygote.
Comment: This missense variant replaces glutamic acid with valine at codon 386 of the MYBPC3 protein. Computational prediction suggests that this variant may have deleterious impact on protein structure and function (internally defined REVEL score threshold >= 0.7, PMID: 27666373). To our knowledge, functional studies have not been reported for this variant. This variant has not been reported in individuals affected with MYBPC3-related disorders in the literature. This variant has not been identified in the general population by the Genome Aggregation Database (gnomAD). The available evidence is insufficient to determine the role of this variant in disease conclusively. Therefore, this variant is classified as a Variant of Uncertain Significance.

This study involves interpretation of variants in research participants for the purpose of population health screening. Participant phenotype was not available at the time of variant classification. Additional details can be found in publication PMID: 35346344, PMCID: PMC8962531